The following is an entry in ClinVar:

NM_006506.5(RASA2):c.704dup (p.Tyr235Ter)

Gene: RASA2 (RAS p21 protein activator 2; plus strand). Cytogenetic location: 3q23.
Variant type: Duplication.
Coding change: c.704dup on transcript NM_006506.5 (MANE Select); coding-DNA position 704, one base duplicated (A; older notation c.704dupA).
Protein change: p.Tyr235Ter; replaces tyrosine 235 with a stop codon.
Molecular consequence: nonsense.
Genome position (GRCh38, 1-based): chr3:141,558,905, A duplicated. VCF-style (leftmost placement, unchanged base first): chr3-141558904-T-TA. GRCh37 (hg19) VCF-style: chr3-141277746-T-TA.
Other names: c.704dup, p.Tyr235Ter (NM_001303245.3, NM_001303246.3); short protein forms Y235*.
Identifiers: ClinVar variation 3630593 (VCV003630593.2).

ClinVar aggregate classification (germline): Uncertain significance (1 of 4 stars; one submission).

Submission:

Labcorp Genetics (formerly Invitae), Labcorp
Classification: Uncertain significance. Last evaluated: 2024-02-29. Review status: criteria provided, single submitter. Criteria: Invitae Variant Classification Sherloc (09022015). Collection method: clinical testing. Allele origin: germline.
Comment: This sequence change creates a premature translational stop signal (p.Tyr235*) in the RASA2 gene. It is expected to result in an absent or disrupted protein product. However, the current clinical and genetic evidence is not sufficient to establish whether loss-of-function variants in RASA2 cause disease. This variant is not present in population databases (gnomAD no frequency). This variant has not been reported in the literature in individuals affected with RASA2-related conditions. In summary, the available evidence is currently insufficient to determine the role of this variant in disease. Therefore, it has been classified as a Variant of Uncertain Significance.